The following is an entry in ClinVar:

NM_201253.3(CRB1):c.142T>A (p.Phe48Ile)

Gene: CRB1 (crumbs cell polarity complex component 1; plus strand). Cytogenetic location: 1q31.3.
Variant type: single nucleotide variant.
Coding change: c.142T>A on transcript NM_201253.3 (MANE Select); coding-DNA position 142, T replaced by A.
Protein change: p.Phe48Ile; replaces phenylalanine 48 with isoleucine.
Molecular consequence: missense variant. On other transcripts: 5 prime UTR variant (1), non-coding transcript variant (2).
Genome position (GRCh38, 1-based): chr1:197,328,493, T>A. VCF-style: chr1-197328493-T-A. GRCh37 (hg19) VCF-style: chr1-197297623-T-A.
Other names: c.142T>A, p.Phe48Ile (NM_001193640.2, NM_001257966.2); c.-66T>A (NM_001257965.2); short protein forms F48I.
Identifiers: ClinVar variation 1433489 (VCV001433489.4), dbSNP rs765448599, ClinGen allele CA1311584.
Genomic context (GRCh38, chr1:197,328,493, plus strand): 5'-AATAAAAACAACACCAGGTGCCTCTCAAATTCTTGCCAAAACAATTCTACATGCAAAGAT[T>A]TTTCAAAAGACAATGATTGTTCTTGTTCAGACACAGCCAATAATTTGGACAAAGACTGTG-3'
Protein context (NP_957705.1, residues 38-58): SCQNNSTCKD[Phe48Ile]SKDNDCSCSD

ClinVar aggregate classification (germline): Uncertain significance. Review status: criteria provided, multiple submitters, no conflicts (2 of 4 stars). 2 submissions from 2 submitters: Uncertain significance (2). Last evaluated 2023-11-11.

Conditions:
Leber congenital amaurosis 8 (LCA8). Identifiers: Orphanet 65, MedGen C3151202, MONDO:0013453, OMIM 613835.
Retinitis pigmentosa 12 (RP12). Also called: RP WITH OR WITHOUT PRESERVED PARAARTERIOLE RETINAL PIGMENT EPITHELIUM; RETINITIS PIGMENTOSA WITH OR WITHOUT PARAARTERIOLAR PRESERVATION OF RETINAL PIGMENT EPITHELIUM; RP WITH OR WITHOUT PPRPE. Identifiers: Orphanet 791, MedGen C1838647, MONDO:0010818, OMIM 600105.

Allele frequency attached by ClinVar (database versions not stated): gnomAD exomes below 0.00001; ExAC 0.00001.
gnomAD v4.1: 3 of 1,614,206 alleles (0.00019%); highest among the groups gnomAD compares: Middle Eastern, 0.016%; no homozygotes.

Submissions (2):

Blueprint Genetics
Classification: Uncertain significance. Last evaluated: 2023-11-11. Review status: criteria provided, single submitter. Criteria: ACMG Guidelines, 2015. Collection method: clinical testing. Allele origin: germline.

Labcorp Genetics (formerly Invitae), Labcorp
Classification: Uncertain significance for Leber congenital amaurosis 8; Retinitis pigmentosa 12. Last evaluated: 2022-07-26. Review status: criteria provided, single submitter. Criteria: Invitae Variant Classification Sherloc (09022015). Collection method: clinical testing. Allele origin: germline.
Comment: This sequence change replaces phenylalanine, which is neutral and non-polar, with isoleucine, which is neutral and non-polar, at codon 48 of the CRB1 protein (p.Phe48Ile). This variant is present in population databases (rs765448599, gnomAD no frequency). This variant has not been reported in the literature in individuals affected with CRB1-related conditions. ClinVar contains an entry for this variant (Variation ID: 1433489). Advanced modeling of protein sequence and biophysical properties (such as structural, functional, and spatial information, amino acid conservation, physicochemical variation, residue mobility, and thermodynamic stability) performed at Invitae indicates that this missense variant is not expected to disrupt CRB1 protein function. In summary, the available evidence is currently insufficient to determine the role of this variant in disease. Therefore, it has been classified as a Variant of Uncertain Significance.